The following is an entry in ClinVar:

ClinVar aggregate classification (germline): Uncertain significance. Review status: criteria provided, multiple submitters, no conflicts (2 of 4 stars). 2 submissions from 2 submitters: Uncertain significance (2). Last evaluated 2025-02-08.

Conditions:
Hereditary cancer-predisposing syndrome. Also called: Hereditary Cancer Syndrome; Tumor predisposition; Neoplastic Syndromes, Hereditary; Hereditary neoplastic syndrome. Identifiers: Orphanet 140162, MedGen C0027672, MeSH D009386, MONDO:0015356.

Submissions (2):

Ambry Genetics
Classification: Uncertain significance for Hereditary cancer-predisposing syndrome. Last evaluated: 2025-02-08. Review status: criteria provided, single submitter. Criteria: Ambry Variant Classification Scheme 2023. Collection method: clinical testing. Allele origin: germline.
Comment: The p.A484T variant (also known as c.1450G>A), located in coding exon 9 of the RAD50 gene, results from a G to A substitution at nucleotide position 1450. The alanine at codon 484 is replaced by threonine, an amino acid with similar properties. This amino acid position is conserved. In addition, this alteration is predicted to be tolerated by in silico analysis. Based on the available evidence, the clinical significance of this variant remains unclear.

Labcorp Genetics (formerly Invitae), Labcorp
Classification: Uncertain significance for Hereditary cancer-predisposing syndrome. Last evaluated: 2022-02-23. Review status: criteria provided, single submitter. Criteria: Invitae Variant Classification Sherloc (09022015). Collection method: clinical testing. Allele origin: germline.
Comment: This sequence change replaces alanine, which is neutral and non-polar, with threonine, which is neutral and polar, at codon 484 of the RAD50 protein (p.Ala484Thr). This variant is not present in population databases (gnomAD no frequency). This variant has not been reported in the literature in individuals affected with RAD50-related conditions. Algorithms developed to predict the effect of missense changes on protein structure and function output the following: SIFT: "Tolerated"; PolyPhen-2: "Benign"; Align-GVGD: "Class C0". The threonine amino acid residue is found in multiple mammalian species, which suggests that this missense change does not adversely affect protein function. In summary, the available evidence is currently insufficient to determine the role of this variant in disease. Therefore, it has been classified as a Variant of Uncertain Significance.

NM_005732.4(RAD50):c.1450G>A (p.Ala484Thr)

Gene: RAD50 (RAD50 double strand break repair protein; plus strand). Cytogenetic location: 5q31.1.
Variant type: single nucleotide variant.
Coding change: c.1450G>A on transcript NM_005732.4 (MANE Select); coding-DNA position 1450, G replaced by A.
Protein change: p.Ala484Thr; replaces alanine 484 with threonine.
Molecular consequence: missense variant.
Genome position (GRCh38, 1-based): chr5:132,589,835, G>A. VCF-style: chr5-132589835-G-A. GRCh37 (hg19) VCF-style: chr5-131925527-G-A.
Other names: c.1450G>A (NM_005732.3); short protein forms A484T.
Identifiers: ClinVar variation 2102330 (VCV002102330.5), dbSNP rs2149841597, ClinGen allele CA360945007.